The following is an entry in ClinVar:

NM_001792.5(CDH2):c.359A>T (p.Lys120Ile)

Gene: CDH2 (cadherin 2; minus strand). Cytogenetic location: 18q12.1.
Variant type: single nucleotide variant.
Coding change: c.359A>T on transcript NM_001792.5 (MANE Select); coding-DNA position 359, A replaced by T.
Protein change: p.Lys120Ile; replaces lysine 120 with isoleucine.
Molecular consequence: missense variant.
Genome position (GRCh38, 1-based): chr18:28,013,723, T>A on the plus strand (A>T on the coding strand, the complement: CDH2 is on the minus strand). VCF-style: chr18-28013723-T-A. GRCh37 (hg19) VCF-style: chr18-25593687-T-A.
Other names: c.266A>T, p.Lys89Ile (NM_001308176.2); short protein forms K89I, K120I.
Identifiers: ClinVar variation 3830103 (VCV003830103.1).
Genomic context (GRCh38, chr18:28,013,723, plus strand): 5'-GCCATATTCGGATACTATACCTTCACTGACTCCTCAGTTAAGGTTGGCTTCAGGCTCAAT[T>A]TTACTGCCACTTGCCACTTTTCCTGGGTCTCTTTGTCTTGGGCATATATCAGGAACTTGG-3'
Protein context (NP_001783.2, residues 110-130): ETQEKWQVAV[Lys120Ile]LSLKPTLTEE

ClinVar aggregate classification (germline): Uncertain significance (1 of 4 stars; one submission).

Conditions:
Inborn genetic diseases. Identifiers: MedGen C0950123, MeSH D030342.

gnomAD v4.1: 1 of 1,613,974 alleles (0.000062%); highest among the groups gnomAD compares: Non-Finnish European, 0.000085%; no homozygotes.

Submission:

Ambry Genetics
Classification: Uncertain significance for Inborn genetic diseases. Last evaluated: 2025-02-27. Review status: criteria provided, single submitter. Criteria: Ambry Variant Classification Scheme 2023. Collection method: clinical testing. Allele origin: germline.
Comment: The p.K120I variant (also known as c.359A>T), located in coding exon 3 of the CDH2 gene, results from an A to T substitution at nucleotide position 359. The lysine at codon 120 is replaced by isoleucine, an amino acid with dissimilar properties. This amino acid position is conserved. In addition, this alteration is predicted to be tolerated by in silico analysis. Based on the available evidence, the clinical significance of this variant remains unclear.